The following is an entry in ClinVar:

ClinVar aggregate classification (germline): Pathogenic (1 of 4 stars; one submission).

Conditions:
Ehlers-Danlos syndrome, dermatosparaxis type. Also called: Dermatosparaxis; EDS VIIC; Ehlers-Danlos syndrome, type VII, autosomal recessive. Identifiers: Orphanet 1901, MedGen C2700425, MONDO:0009161, OMIM 225410.

Submission:

Labcorp Genetics (formerly Invitae), Labcorp
Classification: Pathogenic for Ehlers-Danlos syndrome, dermatosparaxis type. Last evaluated: 2020-12-05. Review status: criteria provided, single submitter. Criteria: Invitae Variant Classification Sherloc (09022015). Collection method: clinical testing. Allele origin: germline.
Comment: For these reasons, this variant has been classified as Pathogenic. This variant has not been reported in the literature in individuals with ADAMTS2-related conditions. ClinVar contains an entry for a similar frameshift at this codon (Variation ID: 934514). This variant is not present in population databases (ExAC no frequency). This sequence change creates a premature translational stop signal (p.Pro976Leufs*14) in the ADAMTS2 gene. It is expected to result in an absent or disrupted protein product. Loss-of-function variants in ADAMTS2 are known to be pathogenic (PMID: 10417273).

Literature cited by the submitters: PubMed 10417273.

NM_014244.5(ADAMTS2):c.2927del (p.Pro976fs)

Gene: ADAMTS2 (ADAM metallopeptidase with thrombospondin type 1 motif 2; minus strand). Cytogenetic location: 5q35.3.
Variant type: Deletion.
Coding change: c.2927del on transcript NM_014244.5 (MANE Select); coding-DNA position 2927, one base deleted (C; older notation c.2927delC).
Protein change: p.Pro976fs; shifts the reading frame from proline 976.
Molecular consequence: frameshift variant.
Genome position (GRCh38, 1-based): chr5:179,125,004, G deleted on the plus strand (C on the coding strand, the reverse complement: ADAMTS2 is on the minus strand); the first of 3 consecutive G bases (chr5:179,125,004-179,125,006); deleting any one gives the same sequence. VCF-style (leftmost placement, unchanged base first): chr5-179125003-AG-A. GRCh37 (hg19) VCF-style: chr5-178552004-AG-A.
Other names: short protein forms P976fs.
Identifiers: ClinVar variation 934514 (VCV000934514.8), dbSNP rs1762828499, ClinGen allele CA1139659278.